The following is an entry in ClinVar:

ClinVar aggregate classification (germline): Uncertain significance (1 of 4 stars; one submission).

Allele frequency attached by ClinVar (database versions not stated): TOPMed 0.00002.
gnomAD v4.1: 7 of 1,548,780 alleles (0.00045%); highest among the groups gnomAD compares: Non-Finnish European, 0.00061%; no homozygotes.

Submission:

GeneDx
Classification: Uncertain significance. Last evaluated: 2014-12-19. Review status: criteria provided, single submitter. Criteria: GeneDx Variant Classification (06012015). Collection method: clinical testing. Allele origin: germline. Affected: yes.
Comment: p.His76Asn (CAT>AAT): c.226 C>A in exon 4 of the COX20 gene (NM_198076.4). The H76N variant has not been published as a mutation, nor has it been reported as a benign polymorphism to our knowledge. The H76N variant is a semi-conservative amino acid substitution, which may impact secondary protein structure as these residues differ in some properties. This substitution occurs at a position that is moderately conserved across species. In silico analysis is inconsistent in its predictions as to whether or not the variant is damaging to the protein structure/function. Therefore, based on the currently available information, it is unclear whether this variant is a pathogenic mutation or a rare benign variant. The variant is found in MITONUC-MITOP panel(s).

NM_198076.6(COX20):c.226C>A (p.His76Asn)

Gene: COX20 (cytochrome c oxidase assembly factor COX20; plus strand). Cytogenetic location: 1q44.
Variant type: single nucleotide variant.
Coding change: c.226C>A on transcript NM_198076.6 (MANE Select); coding-DNA position 226, C replaced by A.
Protein change: p.His76Asn; replaces histidine 76 with asparagine.
Molecular consequence: missense variant. On other transcripts: 3 prime UTR variant (1), non-coding transcript variant (3).
Genome position (GRCh38, 1-based): chr1:244,843,045, C>A. VCF-style: chr1-244843045-C-A. GRCh37 (hg19) VCF-style: chr1-245006347-C-A.
Other names: p.H76N:CAT>AAT; c.226C>A, p.His76Asn (NM_001312871.1); c.262C>A, p.His88Asn (NM_001312872.1); c.91C>A, p.His31Asn (NM_001312873.1); c.*36C>A (NM_001312874.1); short protein forms H76N, H31N, H88N.
Identifiers: ClinVar variation 214273 (VCV000214273.2), dbSNP rs863223946, ClinGen allele CA323305.